The following is an entry in ClinVar:

NM_002637.4(PHKA1):c.2662A>G (p.Met888Val)

Gene: PHKA1 (phosphorylase kinase regulatory subunit alpha 1; minus strand). Cytogenetic location: Xq13.1.
Variant type: single nucleotide variant.
Coding change: c.2662A>G on transcript NM_002637.4 (MANE Select); coding-DNA position 2662, A replaced by G.
Protein change: p.Met888Val; replaces methionine 888 with valine.
Molecular consequence: missense variant.
Genome position (GRCh38, 1-based): chrX:72,605,564, T>C on the plus strand (A>G on the coding strand, the complement: PHKA1 is on the minus strand). VCF-style: chrX-72605564-T-C. GRCh37 (hg19) VCF-style: chrX-71825414-T-C.
Other names: c.2485A>G, p.Met829Val (NM_001172436.2); c.2662A>G, p.Met888Val (NM_001122670.2); short protein forms M829V, M888V.
Identifiers: ClinVar variation 2990265 (VCV002990265.12), dbSNP rs886068834, ClinGen allele CA331072435.

ClinVar aggregate classification (germline): Conflicting classifications of pathogenicity. Review status: criteria provided, conflicting classifications (1 of 4 stars). 3 submissions from 3 submitters: Uncertain significance (2); Likely benign (1). Last evaluated 2025-11-26.

Conditions:
Glycogen storage disease IXd (GSD9D). Also called: GSD IXd; Muscle Phosphorylase Kinase Deficiency. Identifiers: Orphanet 715, MedGen C1845151, MONDO:0010362, OMIM 300559.

Allele frequency attached by ClinVar (database versions not stated): gnomAD exomes 0.00001.
gnomAD v4.1: 8 of 1,206,795 alleles (0.00066%); highest among the groups gnomAD compares: Non-Finnish European, 0.0009%; no homozygotes.

Submissions (3):

Labcorp Genetics (formerly Invitae), Labcorp
Classification: Uncertain significance for Glycogen storage disease IXd. Last evaluated: 2025-11-26. Review status: criteria provided, single submitter. Criteria: Invitae Variant Classification Sherloc (09022015). Collection method: clinical testing. Allele origin: germline.
Comment: This sequence change replaces methionine, which is neutral and non-polar, with valine, which is neutral and non-polar, at codon 888 of the PHKA1 protein (p.Met888Val). This variant is not present in population databases (gnomAD no frequency). This variant has not been reported in the literature in individuals affected with PHKA1-related conditions. ClinVar contains an entry for this variant (Variation ID: 2990265). Invitae Evidence Modeling of protein sequence and biophysical properties (such as structural, functional, and spatial information, amino acid conservation, physicochemical variation, residue mobility, and thermodynamic stability) indicates that this missense variant is not expected to disrupt PHKA1 protein function with a negative predictive value of 80%. In summary, the available evidence is currently insufficient to determine the role of this variant in disease. Therefore, it has been classified as a Variant of Uncertain Significance.

CeGaT Center for Human Genetics Tuebingen
Classification: Likely benign. Last evaluated: 2025-07-01. Review status: criteria provided, single submitter. Criteria: CeGaT Center For Human Genetics Tuebingen Variant Classification Criteria Version 2. Collection method: clinical testing. Allele origin: germline. Affected: yes. Observed: 1 variant allele.
Comment: PHKA1: BP4

Women's Health and Genetics/Laboratory Corporation of America, LabCorp
Classification: Uncertain significance. Last evaluated: 2024-04-03. Review status: criteria provided, single submitter. Criteria: LabCorp Variant Classification Summary - May 2015. Collection method: clinical testing. Allele origin: germline.
Comment: Variant summary: PHKA1 c.2662A>G (p.Met888Val) results in a conservative amino acid change located in the GH15-like domain (IPR011613) of the encoded protein sequence. Five of five in-silico tools predict a benign effect of the variant on protein function. The frequency data for this variant in gnomAD is considered unreliable, as metrics indicate poor data quality at this position. To our knowledge, no occurrence of c.2662A>G in individuals affected with Glycogen Phosphorylase Kinase Deficiency and no experimental evidence demonstrating its impact on protein function have been reported. ClinVar contains an entry for this variant (Variation ID: 2990265). Based on the evidence outlined above, the variant was classified as uncertain significance.